The following is an entry in ClinVar:

NM_000238.4(KCNH2):c.2500C>T (p.His834Tyr)

Gene: KCNH2 (potassium voltage-gated channel subfamily H member 2; minus strand). Cytogenetic location: 7q36.1.
Variant type: single nucleotide variant.
Coding change: c.2500C>T on transcript NM_000238.4 (MANE Select); coding-DNA position 2500, C replaced by T.
Protein change: p.His834Tyr; replaces histidine 834 with tyrosine.
Molecular consequence: missense variant.
Genome position (GRCh38, 1-based): chr7:150,948,948, G>A on the plus strand (C>T on the coding strand, the complement: KCNH2 is on the minus strand). VCF-style: chr7-150948948-G-A. GRCh37 (hg19) VCF-style: chr7-150646036-G-A.
Other names: c.1480C>T, p.His494Tyr (NM_172057.3); short protein forms H494Y, H834Y.
Identifiers: ClinVar variation 1464339 (VCV001464339.8), dbSNP rs1801029078, ClinGen allele CA369855044.

ClinVar aggregate classification (germline): Uncertain significance (1 of 4 stars; one submission).

Conditions:
Long QT syndrome (LQTS). Identifiers: MedGen C0023976, MeSH D008133, MONDO:0002442. Disease mechanism: loss of function. Inheritance: Various modes of inheritance.

Allele frequency attached by ClinVar (database versions not stated): TOPMed below 0.00001.

Submission:

Labcorp Genetics (formerly Invitae), Labcorp
Classification: Uncertain significance for Long QT syndrome. Last evaluated: 2022-03-19. Review status: criteria provided, single submitter. Criteria: Invitae Variant Classification Sherloc (09022015). Collection method: clinical testing. Allele origin: germline.
Comment: Algorithms developed to predict the effect of missense changes on protein structure and function (SIFT, PolyPhen-2, Align-GVGD) all suggest that this variant is likely to be tolerated. In summary, the available evidence is currently insufficient to determine the role of this variant in disease. Therefore, it has been classified as a Variant of Uncertain Significance. This variant has not been reported in the literature in individuals affected with KCNH2-related conditions. This variant is not present in population databases (gnomAD no frequency). This sequence change replaces histidine, which is basic and polar, with tyrosine, which is neutral and polar, at codon 834 of the KCNH2 protein (p.His834Tyr).